The following is an entry in ClinVar:

NM_025137.4(SPG11):c.6523del (p.Ile2175fs)

Gene: SPG11 (SPG11 vesicle trafficking associated, spatacsin; minus strand). Cytogenetic location: 15q21.1.
Variant type: Deletion.
Coding change: c.6523del on transcript NM_025137.4 (MANE Select); coding-DNA position 6523, one base deleted (A; older notation c.6523delA).
Protein change: p.Ile2175fs; shifts the reading frame from isoleucine 2175.
Molecular consequence: frameshift variant.
Genome position (GRCh38, 1-based): chr15:44,569,460, T deleted on the plus strand (A on the coding strand, the reverse complement: SPG11 is on the minus strand). VCF-style (leftmost placement, unchanged base first): chr15-44569459-AT-A. GRCh37 (hg19) VCF-style: chr15-44861657-AT-A.
Other names: c.6184del, p.Ile2062fs (NM_001160227.2); c.6379del, p.Ile2127fs (NM_001411132.1); short protein forms I2062fs, I2127fs, I2175fs.
Identifiers: ClinVar variation 3007288 (VCV003007288.3), dbSNP rs2505197931, ClinGen allele CA2740097278.
Genomic context (GRCh38, chr15:44,569,459, plus strand): 5'-GGATCCAACTTCTTCCTCATTAGCACTTCAAAGTAGTGCTTTTTATGCAGCAAATCAAAT[AT>A]GTATGTCATCTCGTTGTACCTTCCAATGCCAGTGAGGAGCCGTACCTGTGAAGTGGGAGG-3'

ClinVar aggregate classification (germline): Pathogenic (1 of 4 stars; one submission).

Conditions:
Hereditary spastic paraplegia 11. Also called: Spastic Paraplegia 11; Spastic paraplegia, mental retardation and thin corpus callosum; SPASTIC PARAPLEGIA, AUTOSOMAL RECESSIVE, COMPLICATED, WITH THIN CORPUS CALLOSUM; SPASTIC PARAPLEGIA, AUTOSOMAL RECESSIVE, WITH MENTAL IMPAIRMENT AND THIN CORPUS CALLOSUM; Nakamura Osame syndrome; Autosomal recessive hereditary spastic paraplegia, mental impairment, and thin corpus callosum. Identifiers: Orphanet 2822, MedGen C1858479, MONDO:0011445, OMIM 604360.

Submission:

Labcorp Genetics (formerly Invitae), Labcorp
Classification: Pathogenic for Hereditary spastic paraplegia 11. Last evaluated: 2023-10-26. Review status: criteria provided, single submitter. Criteria: Invitae Variant Classification Sherloc (09022015). Collection method: clinical testing. Allele origin: germline.
Comment: This sequence change creates a premature translational stop signal (p.Ile2175Tyrfs*14) in the SPG11 gene. It is expected to result in an absent or disrupted protein product. Loss-of-function variants in SPG11 are known to be pathogenic (PMID: 19105190, 20110243, 22154821, 26556829). This variant is not present in population databases (gnomAD no frequency). This variant has not been reported in the literature in individuals affected with SPG11-related conditions. For these reasons, this variant has been classified as Pathogenic.

Literature cited by the submitters: PubMed 19105190; PubMed 20110243; PubMed 22154821; PubMed 26556829.